The following is an entry in ClinVar:

NM_000132.4(F8):c.728C>G (p.Ser243Cys)

Gene: F8 (coagulation factor VIII; minus strand). Cytogenetic location: Xq28.
Variant type: single nucleotide variant.
Coding change: c.728C>G on transcript NM_000132.4 (MANE Select); coding-DNA position 728, C replaced by G.
Protein change: p.Ser243Cys; replaces serine 243 with cysteine.
Molecular consequence: missense variant.
Genome position (GRCh38, 1-based): chrX:154,984,746, G>C on the plus strand (C>G on the coding strand, the complement: F8 is on the minus strand). VCF-style: chrX-154984746-G-C. GRCh37 (hg19) VCF-style: chrX-154213021-G-C.
Other names: p.Ser243Cys; short protein forms S243C.
Identifiers: ClinVar variation 2683608 (VCV002683608.4), dbSNP rs1178203514, ClinGen allele CA414919044.

ClinVar aggregate classification (germline): Conflicting classifications of pathogenicity. Review status: criteria provided, conflicting classifications (1 of 4 stars). 3 submissions from 3 submitters: Likely pathogenic (1); Uncertain significance (2). Last evaluated 2026-09-17.

Conditions:
Hereditary factor VIII deficiency disease (HEMA). Also called: AUTOSOMAL HEMOPHILIA A; Hemophilia A; Hemophilia A, congenital; HEM A; Factor 8 deficiency, congenital; HEMOPHILIA, CLASSIC. Identifiers: Orphanet 98878, MedGen C0019069, MONDO:0010602, OMIM 306700.

Allele frequency attached by ClinVar (database versions not stated): gnomAD 0.00001; TOPMed 0.00003.
gnomAD v4.1: 1 of 1,209,859 alleles (0.000083%); highest among the groups gnomAD compares: Non-Finnish European, 0.00011%; no homozygotes.

Submissions (3):

GeneDx
Classification: Uncertain significance. Last evaluated: 2026-09-17. Review status: criteria provided, single submitter. Criteria: GeneDx Variant Classification Process June 2021. Collection method: clinical testing. Allele origin: germline.
Comment: Observed in a patient with hemophilia in the literature (PMID: 22103590); Not observed at significant frequency in large population cohorts (gnomAD); In silico analysis supports that this missense variant has a deleterious effect on protein structure/function; This variant is associated with the following publications: (PMID: 22103590)

Myriad Genetics, Inc.
Classification: Likely pathogenic for Hereditary factor VIII deficiency disease. Last evaluated: 2025-01-22. Review status: criteria provided, single submitter. Criteria: Myriad Autosomal Dominant, Autosomal Recessive and X-Linked Classification Criteria (2023). Collection method: clinical testing. Allele origin: unknown.
Comment: NM_000132.3(F8):c.728C>G(S243C) is a missense variant classified as likely pathogenic in the context of hemophilia A. S243C has been observed in cases with relevant disease (PMID: 22103590, 29296726). Relevant functional assessments of this variant are not available in the literature. S243C has not been observed in referenced population frequency databases. In summary, NM_000132.3(F8):c.728C>G(S243C) is a missense variant that has been observed more frequently in cases with the relevant disease than in healthy populations. Please note: this variant was assessed in the context of healthy population screening.

Mayo Clinic Laboratories, Mayo Clinic
Classification: Uncertain significance. Last evaluated: 2022-06-13. Review status: criteria provided, single submitter. Criteria: ACMG Guidelines, 2015. Collection method: clinical testing. Allele origin: germline. Observed: 1 variant allele.
Comment: PM2, PS4_moderate

Literature cited by the submitters: PubMed 22103590 (cited by Myriad Genetics, Inc.); PubMed 29296726 (cited by Myriad Genetics, Inc.).